The following is an entry in ClinVar:

ClinVar aggregate classification (germline): Pathogenic (1 of 4 stars; one submission).

Conditions:
Legius syndrome. Identifiers: Orphanet 137605, MedGen C1969623, MONDO:0012669, OMIM 611431. Disease mechanism: loss of function.

Submission:

Labcorp Genetics (formerly Invitae), Labcorp
Classification: Pathogenic for Legius syndrome. Last evaluated: 2018-05-03. Review status: criteria provided, single submitter. Criteria: Invitae Variant Classification Sherloc (09022015). Collection method: clinical testing. Allele origin: germline.
Comment: For these reasons, this variant has been classified as Pathogenic. Loss-of-function variants in SPRED1 are known to be pathogenic (PMID: 17704776). This variant has not been reported in the literature in individuals with SPRED1-related disease. This variant is not present in population databases (ExAC no frequency). This sequence change creates a premature translational stop signal (p.Glu129Argfs*5) in the SPRED1 gene. It is expected to result in an absent or disrupted protein product.

Literature cited by the submitters: PubMed 17704776.

NM_152594.3(SPRED1):c.384dup (p.Glu129fs)

Gene: SPRED1 (sprouty related EVH1 domain containing 1; plus strand). Cytogenetic location: 15q14.
Variant type: Duplication.
Coding change: c.384dup on transcript NM_152594.3 (MANE Select); coding-DNA position 384, one base duplicated (C; older notation c.384dupC).
Protein change: p.Glu129fs; shifts the reading frame from glutamic acid 129.
Molecular consequence: frameshift variant.
Genome position (GRCh38, 1-based): chr15:38,324,770, C duplicated; the last of 4 consecutive C bases (chr15:38,324,767-38,324,770); duplicating any one gives the same sequence. VCF-style (leftmost placement, unchanged base first): chr15-38324766-G-GC. GRCh37 (hg19) VCF-style: chr15-38616967-G-GC.
Other names: c.384dupC (NM_152594.2); short protein forms E129fs.
Identifiers: ClinVar variation 568389 (VCV000568389.7), dbSNP rs1566868022, ClinGen allele CA891844568.